The following is an entry in ClinVar:

NM_004789.4(LHX2):c.923G>A (p.Arg308Gln)

Gene: LHX2 (LIM homeobox 2; plus strand). Cytogenetic location: 9q33.3.
Variant type: single nucleotide variant.
Coding change: c.923G>A on transcript NM_004789.4 (MANE Select); coding-DNA position 923, G replaced by A.
Protein change: p.Arg308Gln; replaces arginine 308 with glutamine.
Molecular consequence: missense variant.
Genome position (GRCh38, 1-based): chr9:124,021,294, G>A. VCF-style: chr9-124021294-G-A. GRCh37 (hg19) VCF-style: chr9-126783573-G-A.
Other names: short protein forms R308Q.
Identifiers: ClinVar variation 3370018 (VCV003370018.1).

ClinVar aggregate classification (germline): Uncertain significance (1 of 4 stars; one submission).

Submission:

GeneDx
Classification: Uncertain significance. Last evaluated: 2023-12-18. Review status: criteria provided, single submitter. Criteria: GeneDx Variant Classification Process June 2021. Collection method: clinical testing. Allele origin: germline. Affected: yes.
Comment: Not observed at significant frequency in large population cohorts (gnomAD); In silico analysis supports that this missense variant has a deleterious effect on protein structure/function; Has not been previously published as pathogenic or benign to our knowledge